The following is an entry in ClinVar:

NM_007194.4:c.(908+1_909-1)_(1095+1_1096-1)del

Gene: CHEK2 (checkpoint kinase 2; minus strand).
Variant type: Deletion.
Other names: c.(908+1_909-1)_(1095+1_1096-1)del (NM_007194.4).
Identifiers: ClinVar variation 1707509 (VCV001707509.3).

ClinVar aggregate classification (germline): Pathogenic. Review status: criteria provided, single submitter (1 of 4 stars). 2 submissions from 1 submitter: Pathogenic (2). Last evaluated 2026-06-08.

Conditions:
CHEK2-related cancer predisposition (TPDS4). Also called: TUMOR PREDISPOSITION SYNDROME 4; CANCER PREDISPOSITION SYNDROME, CHEK2-RELATED; CHEK2-related cancer susceptibility. Identifiers: Orphanet 524, MedGen C5882668, MONDO:0700271, OMIM 609265.
Familial cancer of breast. Also called: Hereditary breast cancer; BREAST CANCER, FAMILIAL; hereditary breast carcinoma. Identifiers: Orphanet 227535, MedGen C0346153, MONDO:0016419, OMIM 114480. Disease mechanism: loss of function.

Submissions (2):

Institute of Human Genetics, University of Leipzig Medical Center
Classification: Pathogenic for CHEK2-related cancer predisposition. Last evaluated: 2026-06-08. Review status: criteria provided, single submitter. Criteria: ACMG Guidelines, 2015. Collection method: clinical testing. Allele origin: unknown. Inheritance: Autosomal dominant inheritance. Affected: yes.
Comment: Criteria applied: PVS1, PS4_MOD

Institute of Human Genetics, University of Leipzig Medical Center
Classification: Pathogenic for Familial cancer of breast. Last evaluated: 2022-08-10. Review status: criteria provided, single submitter. Criteria: ACMG Guidelines, 2015. Collection method: clinical testing. Allele origin: unknown. Affected: yes.
Comment: _x000D_ Criteria applied: PVS1, PS4_MOD, PM2_SUP